The following is an entry in ClinVar:

ClinVar aggregate classification (germline): Uncertain significance (1 of 4 stars; one submission).

Conditions:
FGFR3-related chondrodysplasia. Identifiers: Orphanet 93420, MedGen C5681604, MONDO:0019685.

Submission:

Genomenon, Inc
Classification: Uncertain significance for FGFR3-related chondrodysplasia. Last evaluated: 2026-06-23. Review status: criteria provided, single submitter. Criteria: Genomenon Sequence Variant Interpretation Standards - Updated. Collection method: curation. Allele origin: germline. Affected: no.
Comment: FGFR3 p.Ser408Ala (c.1222T>G) is a missense variant that changes the amino acid at codon 408 from Serine to Alanine. This variant has been reported in the published literature (PMID:40069142). It is absent or not present at a significant frequency in gnomAD. In silico models predict that this variant is not damaging. In conclusion, we classify FGFR3 p.Ser408Ala (c.1222T>G) as a variant of uncertain significance.

Literature cited by the submitters: PubMed 40069142.

NM_000142.5(FGFR3):c.1222T>G (p.Ser408Ala)

Gene: FGFR3 (fibroblast growth factor receptor 3; plus strand). Cytogenetic location: 4p16.3.
Variant type: single nucleotide variant.
Coding change: c.1222T>G on transcript NM_000142.5 (MANE Select); coding-DNA position 1222, T replaced by G.
Protein change: p.Ser408Ala; replaces serine 408 with alanine.
Molecular consequence: missense variant. On other transcripts: non-coding transcript variant (1), intron variant (1).
Genome position (GRCh38, 1-based): chr4:1,804,476, T>G. VCF-style: chr4-1804476-T-G. GRCh37 (hg19) VCF-style: chr4-1806203-T-G.
Other names: c.1228T>G, p.Ser410Ala (NM_001163213.2); c.1222T>G, p.Ser408Ala (NM_001354809.2, NM_001354810.2); c.931-348T>G (NM_022965.4); short protein forms S408A, S410A.
Identifiers: ClinVar variation 4857779 (VCV004857779.1).